The following is an entry in ClinVar:

NM_006846.4(SPINK5):c.1205T>C (p.Met402Thr)

Gene: SPINK5 (serine peptidase inhibitor Kazal type 5; plus strand). Cytogenetic location: 5q32.
Variant type: single nucleotide variant.
Coding change: c.1205T>C on transcript NM_006846.4 (MANE Select); coding-DNA position 1205, T replaced by C.
Protein change: p.Met402Thr; replaces methionine 402 with threonine.
Molecular consequence: missense variant.
Genome position (GRCh38, 1-based): chr5:148,100,566, T>C. VCF-style: chr5-148100566-T-C. GRCh37 (hg19) VCF-style: chr5-147480129-T-C.
Other names: c.1205T>C, p.Met402Thr (NM_001127698.2, NM_001127699.2); short protein forms M402T.
Identifiers: ClinVar variation 956515 (VCV000956515.10), dbSNP rs1753612608, ClinGen allele CA361636784.
Genomic context (GRCh38, chr5:148,100,566, plus strand): 5'-CCAGAGAGAACGATCCTATCCAGGGCCCAGATGGGAAAGTGCATGGCAACACCTGCTCCA[T>C]GTGTGAGGTCTTCTTGTGAGTAGCCCTGCAGCTGGGAACATGGAGGAATGATTTTGTTCT-3'
Protein context (NP_006837.2, residues 392-412): DGKVHGNTCS[Met402Thr]CEVFFQAEEE

ClinVar aggregate classification (germline): Uncertain significance (1 of 4 stars; one submission).

Conditions:
Ichthyosis linearis circumflexa. Identifiers: MedGen C0265962, MONDO:0043106, HP:0025810.

Allele frequency attached by ClinVar (database versions not stated): gnomAD exomes below 0.00001.
gnomAD v4.1: 1 of 1,613,092 alleles (0.000062%); highest among the groups gnomAD compares: South Asian, 0.0011%; no homozygotes.

Submission:

Labcorp Genetics (formerly Invitae), Labcorp
Classification: Uncertain significance for Ichthyosis linearis circumflexa. Last evaluated: 2024-02-17. Review status: criteria provided, single submitter. Criteria: Invitae Variant Classification Sherloc (09022015). Collection method: clinical testing. Allele origin: germline.
Comment: This sequence change replaces methionine, which is neutral and non-polar, with threonine, which is neutral and polar, at codon 402 of the SPINK5 protein (p.Met402Thr). This variant is not present in population databases (gnomAD no frequency). This variant has not been reported in the literature in individuals affected with SPINK5-related conditions. ClinVar contains an entry for this variant (Variation ID: 956515). Advanced modeling of protein sequence and biophysical properties (such as structural, functional, and spatial information, amino acid conservation, physicochemical variation, residue mobility, and thermodynamic stability) has been performed at Invitae for this missense variant, however the output from this modeling did not meet the statistical confidence thresholds required to predict the impact of this variant on SPINK5 protein function. In summary, the available evidence is currently insufficient to determine the role of this variant in disease. Therefore, it has been classified as a Variant of Uncertain Significance.